The following is an entry in ClinVar:

ClinVar aggregate classification (germline): Pathogenic/Likely pathogenic. Review status: criteria provided, multiple submitters, no conflicts (2 of 4 stars). 6 submissions from 6 submitters: Pathogenic (4); Likely pathogenic (1). 1 of the submissions does not count toward it. Last evaluated 2025-08-25.

Conditions:
Mucolipidosis. Also called: Mucolipidoses. Identifiers: Orphanet 79212, MedGen C0026697, MONDO:0019248.
Mucolipidosis type II. Also called: Mucolipidosis 2; ML 2; Inclusion cell disease; Leroy Disease; N-acetylglucosamine 1phosphotransferase deficiency; ML disorder type 2. Identifiers: Orphanet 576, MedGen C2673377, MONDO:0009650, OMIM 252500.
Pseudo-Hurler polydystrophy. Also called: Type III Mucolipidosis; ML IIIA; Mucolipidosis III Alpha/Beta; MUCOLIPIDOSIS IIIA; ML III; ML III ALPHA/BETA. Identifiers: Orphanet 423461, Orphanet 577, MedGen C0033788, MONDO:0018931, OMIM 252600.

Submissions (6):

Labcorp Genetics (formerly Invitae), Labcorp
Classification: Pathogenic for Pseudo-Hurler polydystrophy; Mucolipidosis type II. Last evaluated: 2025-08-25. Review status: criteria provided, single submitter. Criteria: Invitae Variant Classification Sherloc (09022015). Collection method: clinical testing. Allele origin: germline.
Comment: This sequence change creates a premature translational stop signal (p.Asn250Lysfs*5) in the GNPTAB gene. It is expected to result in an absent or disrupted protein product. Loss-of-function variants in GNPTAB are known to be pathogenic (PMID: 19617216, 25107912). This variant is present in population databases (rs281864964, gnomAD 0.0009%). This premature translational stop signal has been observed in individual(s) with GNPTAB-related conditions (PMID: 19634183). ClinVar contains an entry for this variant (Variation ID: 39087). For these reasons, this variant has been classified as Pathogenic.

Natera, Inc.
Classification: Pathogenic for Mucolipidosis type II. Last evaluated: 2025-05-08. Review status: criteria provided, single submitter. Criteria: Natera Variant Classification Schema (03/2026). Collection method: clinical testing. Allele origin: germline.
Comment: The c.749dupA variant in GNPTAB is a frameshift variant predicted to shift the reading frame beginning at codon 250 and leads to a stop codon 5 codons downstream. This variant is expected to result in nonsense mediated decay, truncation, or a dysfunctional protein product. This variant is rare in the general population with a frequency below the threshold expected for the associated phenotype(s). This variant has been observed in one or more individuals affected with the associated recessive disease, as either homozygous or compound heterozygous with a second variant (PMID: 19634183). Given the available evidence, this variant is classified as Pathogenic.

GeneDx
Classification: Pathogenic. Last evaluated: 2024-02-12. Review status: criteria provided, single submitter. Criteria: GeneDx Variant Classification Process June 2021. Collection method: clinical testing. Allele origin: germline. Affected: yes.
Comment: Reported in a patient with GNPTAB-related mucolipidosis who also harbored an additional loss of function variant (PMID: 19634183); Frameshift variant predicted to result in protein truncation or nonsense mediated decay in a gene for which loss of function is a known mechanism of disease; Not observed at significant frequency in large population cohorts (gnomAD); This variant is associated with the following publications: (PMID: 25107912, 19617216, 30882951, 19634183)

Women's Health and Genetics/Laboratory Corporation of America, LabCorp
Classification: Likely pathogenic for Mucolipidosis. Last evaluated: 2022-10-28. Review status: criteria provided, single submitter. Criteria: LabCorp Variant Classification Summary - May 2015. Collection method: clinical testing. Allele origin: germline.
Comment: Variant summary: GNPTAB c.749dupA (p.Asn250LysfsX5) results in a premature termination codon, predicted to cause a truncation of the encoded protein or absence of the protein due to nonsense mediated decay, which are commonly known mechanisms for disease. Truncations downstream of this position have been classified as pathogenic by our laboratory. The variant allele was found at a frequency of 4e-06 in 251438 control chromosomes. c.749dupA has been reported in the literature in compound heterozygosity with a known pathogenic variant in an individual affected with Mucolipidosis type II (Tappino_2009), providing evidence for pathogenicity. To our knowledge, no experimental evidence demonstrating an impact on protein function has been reported. One clinical diagnostic laboratory has submitted clinical-significance assessments for this variant to ClinVar after 2014 without evidence for independent evaluation, classifying the variant as pathogenic. Based on the evidence outlined above, the variant was classified as likely pathogenic.

Eurofins Ntd Llc (ga)
Classification: Pathogenic. Last evaluated: 2014-05-22. Review status: criteria provided, single submitter. Criteria: EGL Classification Definitions. Collection method: clinical testing. Allele origin: germline. Observed: 2 variant alleles, 2 heterozygotes.

GeneReviews
No classification provided. Condition: Mucolipidosis type II. Review status: no classification provided. Collection method: literature only. Allele origin: unknown. Not counted in ClinVar's aggregate classification.

Literature cited by the submitters: PubMed 19617216 (cited by Labcorp Genetics (formerly Invitae), Labcorp); PubMed 25107912 (cited by Labcorp Genetics (formerly Invitae), Labcorp); PubMed 19634183 (cited by 5 submitters); PubMed 20301728 (cited by GeneReviews); NCBI Bookshelf NBK1828 (cited by GeneReviews).

NM_024312.5(GNPTAB):c.749dup (p.Asn250fs)

Gene: GNPTAB (N-acetylglucosamine-1-phosphate transferase subunits alpha and beta; minus strand). Cytogenetic location: 12q23.2.
Variant type: Duplication.
Coding change: c.749dup on transcript NM_024312.5 (MANE Select); coding-DNA position 749, one base duplicated (A; older notation c.749dupA).
Protein change: p.Asn250fs; shifts the reading frame from asparagine 250.
Molecular consequence: frameshift variant.
Genome position (GRCh38, 1-based): chr12:101,780,174, T duplicated on the plus strand (A on the coding strand, the reverse complement: GNPTAB is on the minus strand); the first of 4 consecutive T bases (chr12:101,780,174-101,780,177); duplicating any one gives the same sequence. VCF-style (leftmost placement, unchanged base first): chr12-101780173-A-AT. GRCh37 (hg19) VCF-style: chr12-102173951-A-AT.
Other names: c.749dup (NM_024312.4); c.749dupA (NM_024312.4); short protein forms N250fs.
Identifiers: ClinVar variation 39087 (VCV000039087.20), dbSNP rs281864964, ClinGen allele CA343414.